The following is an entry in ClinVar:

NM_053025.4(MYLK):c.145A>G (p.Thr49Ala)

Gene: MYLK (myosin light chain kinase; minus strand). Cytogenetic location: 3q21.1.
Variant type: single nucleotide variant.
Coding change: c.145A>G on transcript NM_053025.4 (MANE Select); coding-DNA position 145, A replaced by G.
Protein change: p.Thr49Ala; replaces threonine 49 with alanine.
Molecular consequence: missense variant. On other transcripts: 5 prime UTR variant (1).
Genome position (GRCh38, 1-based): chr3:123,793,697, T>C on the plus strand (A>G on the coding strand, the complement: MYLK is on the minus strand). VCF-style: chr3-123793697-T-C. GRCh37 (hg19) VCF-style: chr3-123512544-T-C.
Other names: c.-176A>G (NM_001321309.2); c.145A>G, p.Thr49Ala (NM_053026.4, NM_053027.4, NM_053028.4); short protein forms T49A.
Identifiers: ClinVar variation 2327590 (VCV002327590.4), dbSNP rs1276195216, ClinGen allele CA354236418.
Genomic context (GRCh38, chr3:123,793,697, plus strand): 5'-ATCCTTCCCCACAGCCTCCCCATCCAGCCACACTTCTTACCCGCCCTTCGAACTTGGCGG[T>C]GGCTCCTTCTTTGATGCAGAGGTTCCGAGGGGGCAAAATGAAAGCAGGGGCCTCTGTCAG-3'
Protein context (NP_444253.3, residues 39-59): PRNLCIKEGA[Thr49Ala]AKFEGRVRGY

ClinVar aggregate classification (germline): Uncertain significance. Review status: criteria provided, multiple submitters, no conflicts (2 of 4 stars). 3 submissions from 3 submitters: Uncertain significance (3). Last evaluated 2025-07-29.

Conditions:
Familial thoracic aortic aneurysm and aortic dissection (TAAD). Also called: Thoracic aortic aneurysms and dissections. Identifiers: Orphanet 91387, MedGen C4707243, MONDO:0019625.
Aortic aneurysm, familial thoracic 7 (AAT7). Also called: AORTIC DISSECTION, FAMILIAL, WITH OR WITHOUT AORTIC ANEURYSM. Identifiers: MedGen C3151077, MONDO:0013418, OMIM 613780.

Allele frequency attached by ClinVar (database versions not stated): gnomAD exomes below 0.00001; gnomAD 0.00001; TOPMed 0.00001.
gnomAD v4.1: 4 of 1,613,976 alleles (0.00025%); highest among the groups gnomAD compares: Non-Finnish European, 0.00034%; no homozygotes.

Submissions (3):

Labcorp Genetics (formerly Invitae), Labcorp
Classification: Uncertain significance for Aortic aneurysm, familial thoracic 7. Last evaluated: 2025-07-29. Review status: criteria provided, single submitter. Criteria: Invitae Variant Classification Sherloc (09022015). Collection method: clinical testing. Allele origin: germline.
Comment: This sequence change replaces threonine, which is neutral and polar, with alanine, which is neutral and non-polar, at codon 49 of the MYLK protein (p.Thr49Ala). This variant is present in population databases (no rsID available, gnomAD 0.007%). This variant has not been reported in the literature in individuals affected with MYLK-related conditions. ClinVar contains an entry for this variant (Variation ID: 2327590). Invitae Evidence Modeling of protein sequence and biophysical properties (such as structural, functional, and spatial information, amino acid conservation, physicochemical variation, residue mobility, and thermodynamic stability) indicates that this missense variant is not expected to disrupt MYLK protein function with a negative predictive value of 95%. In summary, the available evidence is currently insufficient to determine the role of this variant in disease. Therefore, it has been classified as a Variant of Uncertain Significance.

Ambry Genetics
Classification: Uncertain significance for Familial thoracic aortic aneurysm and aortic dissection. Last evaluated: 2023-04-22. Review status: criteria provided, single submitter. Criteria: Ambry Variant Classification Scheme 2023. Collection method: clinical testing. Allele origin: germline.
Comment: The p.T49A variant (also known as c.145A>G), located in coding exon 1 of the MYLK gene, results from an A to G substitution at nucleotide position 145. The threonine at codon 49 is replaced by alanine, an amino acid with similar properties. This amino acid position is conserved. In addition, this alteration is predicted to be tolerated by in silico analysis. Since supporting evidence is limited at this time, the clinical significance of this alteration remains unclear.

GeneDx
Classification: Uncertain significance. Last evaluated: 2023-01-10. Review status: criteria provided, single submitter. Criteria: GeneDx Variant Classification Process June 2021. Collection method: clinical testing. Allele origin: germline. Affected: yes.
Comment: Not observed at significant frequency in large population cohorts (gnomAD); In silico analysis supports that this missense variant does not alter protein structure/function; Has not been previously published as pathogenic or benign to our knowledge